The following is an entry in ClinVar:

ClinVar aggregate classification (germline): Uncertain significance (1 of 4 stars; one submission).

Conditions:
Congenital myasthenic syndrome 8. Also called: Myasthenic syndrome, congenital, 8, with pre- and postsynaptic defects; MYASTHENIC SYNDROME, CONGENITAL, DUE TO AGRIN DEFICIENCY. Identifiers: Orphanet 590, MedGen C3808739, MONDO:0014052, OMIM 615120.

gnomAD v4.1: 4 of 1,591,250 alleles (0.00025%); highest among the groups gnomAD compares: South Asian, 0.0034%; no homozygotes.

Submission:

Labcorp Genetics (formerly Invitae), Labcorp
Classification: Uncertain significance for Congenital myasthenic syndrome 8. Last evaluated: 2022-11-25. Review status: criteria provided, single submitter. Criteria: Invitae Variant Classification Sherloc (09022015). Collection method: clinical testing. Allele origin: germline.
Comment: In summary, the available evidence is currently insufficient to determine the role of this variant in disease. Therefore, it has been classified as a Variant of Uncertain Significance. Experimental studies and prediction algorithms are not available or were not evaluated, and the functional significance of this variant is currently unknown. ClinVar contains an entry for this variant (Variation ID: 1037117). This variant has not been reported in the literature in individuals affected with AGRN-related conditions. The frequency data for this variant in the population databases is considered unreliable, as metrics indicate poor data quality at this position in the gnomAD database. This sequence change creates a premature translational stop signal (p.Trp1992*) in the AGRN gene. While this is not anticipated to result in nonsense mediated decay, it is expected to disrupt the last 54 amino acid(s) of the AGRN protein.

NM_198576.4(AGRN):c.5976G>A (p.Trp1992Ter)

Gene: AGRN (agrin; plus strand). Cytogenetic location: 1p36.33.
Variant type: single nucleotide variant.
Coding change: c.5976G>A on transcript NM_198576.4 (MANE Select); coding-DNA position 5976, G replaced by A.
Protein change: p.Trp1992Ter; replaces tryptophan 1992 with a stop codon.
Molecular consequence: nonsense.
Genome position (GRCh38, 1-based): chr1:1,054,547, G>A. VCF-style: chr1-1054547-G-A. GRCh37 (hg19) VCF-style: chr1-989927-G-A.
Other names: c.6045G>A, p.Trp2015Ter (NM_001305275.2); c.5673G>A, p.Trp1891Ter (NM_001364727.2); short protein forms W1891*, W1992*, W2015*.
Identifiers: ClinVar variation 1037117 (VCV001037117.6), dbSNP rs776480996, ClinGen allele CA510290.